The following is an entry in ClinVar:

ClinVar aggregate classification (germline): Likely benign. Review status: criteria provided, multiple submitters, no conflicts (2 of 4 stars). 2 submissions from 2 submitters: Likely benign (2). Last evaluated 2025-11-24.

Conditions:
Holoprosencephaly 5 (HPE5). Identifiers: Orphanet 2162, MedGen C1864827, MONDO:0012322, OMIM 609637.

Allele frequency attached by ClinVar (database versions not stated): gnomAD 0.00001; gnomAD exomes 0.00001 and 0.00002; ExAC 0.00002.
gnomAD v4.1: 21 of 1,600,190 alleles (0.0013%); highest among the groups gnomAD compares: Middle Eastern, 0.016%; no homozygotes.

Submissions (2):

Labcorp Genetics (formerly Invitae), Labcorp
Classification: Likely benign for Holoprosencephaly 5. Last evaluated: 2025-11-24. Review status: criteria provided, single submitter. Criteria: Invitae Variant Classification Sherloc (09022015). Collection method: clinical testing. Allele origin: germline.

GeneDx
Classification: Likely benign. Last evaluated: 2015-10-31. Review status: criteria provided, single submitter. Criteria: GeneDx Variant Classification (06012015). Collection method: clinical testing. Allele origin: germline. Affected: yes.
Comment: This variant is considered likely benign or benign based on one or more of the following criteria: it is a conservative change, it occurs at a poorly conserved position in the protein, it is predicted to be benign by multiple in silico algorithms, and/or has population frequency not consistent with disease.

NM_007129.5(ZIC2):c.627A>G (p.Gln209=)

Gene: ZIC2 (Zic family zinc finger 2; plus strand). Cytogenetic location: 13q32.3.
Variant type: single nucleotide variant.
Coding change: c.627A>G on transcript NM_007129.5 (MANE Select); coding-DNA position 627, A replaced by G.
Protein change: p.Gln209=; no amino-acid change (glutamine 209 retained).
Molecular consequence: synonymous variant.
Genome position (GRCh38, 1-based): chr13:99,982,691, A>G. VCF-style: chr13-99982691-A-G. GRCh37 (hg19) VCF-style: chr13-100634945-A-G.
Identifiers: ClinVar variation 381533 (VCV000381533.5), dbSNP rs766439036, ClinGen allele CA7032832.